The following is an entry in ClinVar:

ClinVar aggregate classification (germline): Uncertain significance (1 of 4 stars; one submission).

Conditions:
Hereditary spastic paraplegia 11. Also called: SPASTIC PARAPLEGIA, AUTOSOMAL RECESSIVE, COMPLICATED, WITH THIN CORPUS CALLOSUM; SPASTIC PARAPLEGIA, AUTOSOMAL RECESSIVE, WITH MENTAL IMPAIRMENT AND THIN CORPUS CALLOSUM; Spastic paraplegia, mental retardation and thin corpus callosum; Nakamura Osame syndrome; Autosomal recessive hereditary spastic paraplegia, mental impairment, and thin corpus callosum; Spastic Paraplegia 11. Identifiers: Orphanet 2822, MedGen C1858479, MONDO:0011445, OMIM 604360.

Submission:

Labcorp Genetics (formerly Invitae), Labcorp
Classification: Uncertain significance for Hereditary spastic paraplegia 11. Last evaluated: 2022-07-25. Review status: criteria provided, single submitter. Criteria: Invitae Variant Classification Sherloc (09022015). Collection method: clinical testing. Allele origin: germline.
Comment: This sequence change falls in intron 31 of the SPG11 gene. It does not directly change the encoded amino acid sequence of the SPG11 protein. It affects a nucleotide within the consensus splice site. In summary, the available evidence is currently insufficient to determine the role of this variant in disease. Therefore, it has been classified as a Variant of Uncertain Significance. Variants that disrupt the consensus splice site are a relatively common cause of aberrant splicing (PMID: 17576681, 9536098). Algorithms developed to predict the effect of sequence changes on RNA splicing suggest that this variant may disrupt the consensus splice site. ClinVar contains an entry for this variant (Variation ID: 655834). This variant has not been reported in the literature in individuals affected with SPG11-related conditions. This variant is not present in population databases (gnomAD no frequency).

Literature cited by the submitters: PubMed 17576681; PubMed 9536098.

NM_025137.4(SPG11):c.6007-3C>G

Gene: SPG11 (SPG11 vesicle trafficking associated, spatacsin; minus strand). Cytogenetic location: 15q21.1.
Variant type: single nucleotide variant.
Coding change: c.6007-3C>G on transcript NM_025137.4 (MANE Select); 3 bases into the intron before coding-DNA position 6007, C replaced by G.
Molecular consequence: intron variant.
Genome position (GRCh38, 1-based): chr15:44,573,748, G>C on the plus strand (C>G on the coding strand, the complement: SPG11 is on the minus strand). VCF-style: chr15-44573748-G-C. GRCh37 (hg19) VCF-style: chr15-44865946-G-C.
Other names: c.5867-928C>G (NM_001160227.2).
Identifiers: ClinVar variation 655834 (VCV000655834.8), dbSNP rs1410926036, ClinGen allele CA915946563.
Genomic context (GRCh38, chr15:44,573,748, plus strand): 5'-TCCGGAGCATGGCTTCACCATCCTGAGCAGCAACATCTGTGTAGGAACAGCCCAACTCCT[G>C]AGAGGAAGACAAAGCCAGTCAAGGCCACTTTTAGAAGCCAGGAAAAAGCAAAAGAGCCCT-3'